The following is an entry in ClinVar:

NM_000257.4(MYH7):c.5159A>G (p.Asn1720Ser)

Genes: MHRT (myosin heavy chain associated RNA transcript; plus strand), MYH7 (myosin heavy chain 7; minus strand), LOC126861897 (BRD4-independent group 4 enhancer GRCh37_chr14:23884455-23885654; plus strand). Cytogenetic location: 14q11.2.
Variant type: single nucleotide variant.
Coding change: c.5159A>G on transcript NM_000257.4 (MANE Select); coding-DNA position 5159, A replaced by G.
Protein change: p.Asn1720Ser; replaces asparagine 1720 with serine.
Molecular consequence: missense variant.
Genome position (GRCh38, 1-based): chr14:23,415,505, T>C on the plus strand (A>G on the coding strand, the complement: MYH7 is on the minus strand). VCF-style: chr14-23415505-T-C. GRCh37 (hg19) VCF-style: chr14-23884714-T-C.
Other names: c.5159A>G, p.Asn1720Ser (NM_001407004.1); short protein forms N1720S.
Identifiers: ClinVar variation 3230916 (VCV003230916.1), dbSNP rs1892157299, ClinGen allele CA389036831.
Genomic context (GRCh38, chr14:23,415,505, plus strand): 5'-TCAGTCTGGAGCTGGGACAGGTCAGCATCCATCTTCTTCTTCTGGTTGATGAGGCTGGTG[T>C]TCTGGGTTGGGGGAGGGTTGGGCAGAGCAGGAAAAGCATTGAGCATCTATGCATAGCTCT-3'
Protein context (NP_000248.2, residues 1710-1730): SERVQLLHSQ[Asn1720Ser]TSLINQKKKM

ClinVar aggregate classification (germline): Uncertain significance (1 of 4 stars; one submission).

Conditions:
Cardiovascular phenotype. Identifiers: MedGen CN230736.

Submission:

Ambry Genetics
Classification: Uncertain significance for Cardiovascular phenotype. Last evaluated: 2023-11-20. Review status: criteria provided, single submitter. Criteria: Ambry Variant Classification Scheme 2023. Collection method: clinical testing. Allele origin: germline.
Comment: The p.N1720S variant (also known as c.5159A>G), located in coding exon 34 of the MYH7 gene, results from an A to G substitution at nucleotide position 5159. The asparagine at codon 1720 is replaced by serine, an amino acid with highly similar properties. This alteration has been reported in a hypertrophic cardiomyopathy cohort (Sepp R et al. Diagnostics (Basel), 2022 May;12:). This amino acid position is highly conserved in available vertebrate species. In addition, this alteration is predicted to be tolerated by in silico analysis. Since supporting evidence is limited at this time, the clinical significance of this alteration remains unclear.

Literature cited by the submitters: PubMed 35626289.